The following is an entry in ClinVar:

ClinVar aggregate classification (germline): Uncertain significance (1 of 4 stars; one submission).

Allele frequency attached by ClinVar (database versions not stated): TOPMed below 0.00001.

Submission:

Labcorp Genetics (formerly Invitae), Labcorp
Classification: Uncertain significance. Last evaluated: 2023-04-09. Review status: criteria provided, single submitter. Criteria: Invitae Variant Classification Sherloc (09022015). Collection method: clinical testing. Allele origin: germline.
Comment: In summary, the available evidence is currently insufficient to determine the role of this variant in disease. Therefore, it has been classified as a Variant of Uncertain Significance. Advanced modeling of protein sequence and biophysical properties (such as structural, functional, and spatial information, amino acid conservation, physicochemical variation, residue mobility, and thermodynamic stability) performed at Invitae indicates that this missense variant is expected to disrupt EPS8 protein function. This variant has not been reported in the literature in individuals affected with EPS8-related conditions. This variant is not present in population databases (gnomAD no frequency). This sequence change replaces leucine, which is neutral and non-polar, with serine, which is neutral and polar, at codon 750 of the EPS8 protein (p.Leu750Ser).

NM_004447.6(EPS8):c.2249T>C (p.Leu750Ser)

Gene: EPS8 (EGFR pathway substrate 8, signaling adaptor; minus strand). Cytogenetic location: 12p12.3.
Variant type: single nucleotide variant.
Coding change: c.2249T>C on transcript NM_004447.6 (MANE Select); coding-DNA position 2249, T replaced by C.
Protein change: p.Leu750Ser; replaces leucine 750 with serine.
Molecular consequence: missense variant. On other transcripts: non-coding transcript variant (3).
Genome position (GRCh38, 1-based): chr12:15,623,264, A>G on the plus strand (T>C on the coding strand, the complement: EPS8 is on the minus strand). VCF-style: chr12-15623264-A-G. GRCh37 (hg19) VCF-style: chr12-15776198-A-G.
Other names: c.2285T>C, p.Leu762Ser (NM_001413831.1); c.2249T>C, p.Leu750Ser (NM_001413832.1, NM_001413833.1, NM_001413834.1); c.2009T>C, p.Leu670Ser (NM_001413835.1, NM_001413836.1); c.1832T>C, p.Leu611Ser (NM_001413837.1); c.1469T>C, p.Leu490Ser (NM_001413838.1); short protein forms L490S, L762S, L611S, L670S, L750S.
Identifiers: ClinVar variation 2854388 (VCV002854388.3), dbSNP rs1944889464, ClinGen allele CA384022774.